The following is an entry in ClinVar:

ClinVar aggregate classification (germline): Uncertain significance (1 of 4 stars; one submission).

Conditions:
Neurofibromatosis, type 1 (NF1). Also called: Peripheral type neurofibromatosis; VON RECKLINGHAUSEN DISEASE; Neurofibromatosis, type I; NEUROFIBROMATOSIS, TYPE I, SOMATIC. Identifiers: Orphanet 636, MedGen C0027831, MONDO:0018975, OMIM 162200. Disease mechanism: loss of function.

Submission:

Labcorp Genetics (formerly Invitae), Labcorp
Classification: Uncertain significance for Neurofibromatosis, type 1. Last evaluated: 2018-05-30. Review status: criteria provided, single submitter. Criteria: Invitae Variant Classification Sherloc (09022015). Collection method: clinical testing. Allele origin: germline.
Comment: In summary, the available evidence is currently insufficient to determine the role of this variant in disease. Therefore, it has been classified as a Variant of Uncertain Significance. This sequence change replaces leucine with valine at codon 2374 of the NF1 protein (p.Leu2374Val). The leucine residue is moderately conserved and there is a small physicochemical difference between leucine and valine. Algorithms developed to predict the effect of missense changes on protein structure and function (SIFT, PolyPhen-2, Align-GVGD) all suggest that this variant is likely to be tolerated, but these predictions have not been confirmed by published functional studies and their clinical significance is uncertain. This variant has not been reported in the literature in individuals with NF1-related disease. This variant is not present in population databases (ExAC no frequency).

NM_001042492.3(NF1):c.7183T>G (p.Leu2395Val)

Gene: NF1 (neurofibromin 1; plus strand). Cytogenetic location: 17q11.2.
Variant type: single nucleotide variant.
Coding change: c.7183T>G on transcript NM_001042492.3 (MANE Select); coding-DNA position 7183, T replaced by G.
Protein change: p.Leu2395Val; replaces leucine 2395 with valine.
Molecular consequence: missense variant.
Genome position (GRCh38, 1-based): chr17:31,343,129, T>G. VCF-style: chr17-31343129-T-G. GRCh37 (hg19) VCF-style: chr17-29670147-T-G.
Other names: c.7120T>G, p.Leu2374Val (NM_000267.4); short protein forms L2395V, L2374V.
Identifiers: ClinVar variation 572751 (VCV000572751.5), dbSNP rs1567620503, ClinGen allele CA399015776.
Genomic context (GRCh38, chr17:31,343,129, plus strand): 5'-GATCATTTTGTTGGACTCAATTTCAACTCTAACTTTAACTTTGCATTGGTTGGACACCTT[T>G]TAAAAGGTAAAAAAGCCTTATTTAGAATATTTTTATGAAGTACTATTAAGAAACCAGAAG-3'
Protein context (NP_001035957.1, residues 2385-2405): NFNFALVGHL[Leu2395Val]KGYRHPSPAI